The following is an entry in ClinVar:

NM_032656.4(DHX37):c.288_289delinsAT (p.Met96Ile)

Gene: DHX37 (DEAH-box helicase 37; minus strand). Cytogenetic location: 12q24.31.
Variant type: Indel.
Coding change: c.288_289delinsAT on transcript NM_032656.4 (MANE Select); coding-DNA positions 288 to 289, GC replaced by AT.
Protein change: p.Met96Ile; replaces methionine 96 with isoleucine.
Molecular consequence: missense variant.
Genome position (GRCh38, 1-based): chr12:124,982,611-124,982,612, GC replaced by AT on the plus strand (GC replaced by AT on the coding strand, the reverse complement: DHX37 is on the minus strand). VCF-style: chr12-124982611-GC-AT. GRCh37 (hg19) VCF-style: chr12-125467157-GC-AT.
Other names: short protein forms M96I.
Identifiers: ClinVar variation 1995291 (VCV001995291.4), dbSNP rs2547142227, ClinGen allele CA2580085962.

ClinVar aggregate classification (germline): Uncertain significance (1 of 4 stars; one submission).

Submission:

Labcorp Genetics (formerly Invitae), Labcorp
Classification: Uncertain significance. Last evaluated: 2022-05-16. Review status: criteria provided, single submitter. Criteria: Invitae Variant Classification Sherloc (09022015). Collection method: clinical testing. Allele origin: germline.
Comment: In summary, the available evidence is currently insufficient to determine the role of this variant in disease. Therefore, it has been classified as a Variant of Uncertain Significance. Experimental studies and prediction algorithms are not available or were not evaluated, and the functional significance of this variant is currently unknown. This variant has not been reported in the literature in individuals affected with DHX37-related conditions. Information on the frequency of this variant in the gnomAD database is not available, as this variant may be reported differently in the database. This sequence change replaces methionine, which is neutral and non-polar, with isoleucine, which is neutral and non-polar, at codon 96 of the DHX37 protein (p.Met96Ile).